The following is an entry in ClinVar:

ClinVar aggregate classification (germline): Pathogenic (1 of 4 stars; one submission).

Conditions:
McKusick-Kaufman syndrome (MKKS). Also called: HYDROMETROCOLPOS SYNDROME; HYDROMETROCOLPOS, POSTAXIAL POLYDACTYLY, AND CONGENITAL HEART MALFORMATION. Identifiers: Orphanet 2473, MedGen C0948368, MONDO:0009367, OMIM 236700.
Bardet-Biedl syndrome (BBS). Identifiers: Orphanet 110, MedGen C0752166, MONDO:0015229.

Submission:

Labcorp Genetics (formerly Invitae), Labcorp
Classification: Pathogenic for McKusick-Kaufman syndrome; Bardet-Biedl syndrome. Last evaluated: 2021-11-01. Review status: criteria provided, single submitter. Criteria: Invitae Variant Classification Sherloc (09022015). Collection method: clinical testing. Allele origin: germline.
Comment: For these reasons, this variant has been classified as Pathogenic. This variant has not been reported in the literature in individuals affected with MKKS-related conditions. This variant is not present in population databases (gnomAD no frequency). This sequence change creates a premature translational stop signal (p.Thr255Asnfs*15) in the MKKS gene. It is expected to result in an absent or disrupted protein product. Loss-of-function variants in MKKS are known to be pathogenic (PMID: 11179009, 28761321, 30614526).

Literature cited by the submitters: PubMed 11179009; PubMed 28761321; PubMed 30614526.

NM_170784.3(MKKS):c.763dup (p.Thr255fs)

Gene: MKKS (MKKS centrosomal shuttling protein; minus strand). Cytogenetic location: 20p12.2.
Variant type: Duplication.
Coding change: c.763dup on transcript NM_170784.3 (MANE Select); coding-DNA position 763, one base duplicated (A; older notation c.763dupA).
Protein change: p.Thr255fs; shifts the reading frame from threonine 255.
Molecular consequence: frameshift variant.
Genome position (GRCh38, 1-based): chr20:10,412,752, T duplicated on the plus strand (A on the coding strand, the reverse complement: MKKS is on the minus strand). VCF-style (leftmost placement, unchanged base first): chr20-10412751-G-GT. GRCh37 (hg19) VCF-style: chr20-10393399-G-GT.
Other names: c.763dup, p.Thr255fs (NM_018848.3); short protein forms T255fs.
Identifiers: ClinVar variation 1433005 (VCV001433005.6), dbSNP rs2122234387, ClinGen allele CA2573156831.